The following is an entry in ClinVar:

NM_001048174.2(MUTYH):c.863A>T (p.Gln288Leu)

Gene: MUTYH (mutY DNA glycosylase; minus strand). Cytogenetic location: 1p34.1.
Variant type: single nucleotide variant.
Coding change: c.863A>T on transcript NM_001048174.2 (MANE Select); coding-DNA position 863, A replaced by T.
Protein change: p.Gln288Leu; replaces glutamine 288 with leucine.
Molecular consequence: missense variant. On other transcripts: non-coding transcript variant (7).
Genome position (GRCh38, 1-based): chr1:45,332,073, T>A on the plus strand (A>T on the coding strand, the complement: MUTYH is on the minus strand). VCF-style: chr1-45332073-T-A. GRCh37 (hg19) VCF-style: chr1-45797745-T-A.
Other names: c.587A>T, p.Gln196Leu (NM_001293192.2, NM_001293196.2, NM_001407091.1); c.863A>T, p.Gln288Leu (NM_001293195.2, NM_001407070.1, NM_001407072.1 and 6 more transcripts); c.518A>T, p.Gln173Leu (NM_001350650.2, NM_001350651.2, NM_001407082.1); c.896A>T, p.Gln299Leu (NM_001407069.1, NM_001293191.2, NM_001407077.1); c.866A>T, p.Gln289Leu (NM_001407071.1, NM_001407086.1, NM_001048172.2 and 1 more transcripts); c.884A>T, p.Gln295Leu (NM_001407087.1); c.938A>T, p.Gln313Leu (NM_012222.3); c.947A>T, p.Gln316Leu (NM_001128425.2); and 5 more; short protein forms Q275L, Q302L, Q316L, Q196L, Q288L, Q295L, Q303L, Q173L.
Identifiers: ClinVar variation 4113937 (VCV004113937.1).
Genomic context (GRCh38, chr1:45,332,073, plus strand): 5'-TGGTGCTCACCACACTCCTCCACGTCAGGACTGCCCGACAGGCTCCCTGAGGCTAAGAGC[T>A]GTTCCTGCTCCACCTGAGAGGCACAGGGTTGAGTGTCATAGGGCAGAGTCACTCCTTAGG-3'
Protein context (NP_001041639.1, residues 278-298): CRARQRVEQE[Gln288Leu]LLASGSLSGS

ClinVar aggregate classification (germline): Uncertain significance (1 of 4 stars; one submission).

Conditions:
Hereditary cancer-predisposing syndrome. Also called: Hereditary neoplastic syndrome; Neoplastic Syndromes, Hereditary; Tumor predisposition; Hereditary Cancer Syndrome. Identifiers: Orphanet 140162, MedGen C0027672, MeSH D009386, MONDO:0015356.

Submission:

Ambry Genetics
Classification: Uncertain significance for Hereditary cancer-predisposing syndrome. Last evaluated: 2025-08-27. Review status: criteria provided, single submitter. Criteria: Ambry Variant Classification Scheme 2023. Collection method: clinical testing. Allele origin: germline.
Comment: The p.Q316L variant (also known as c.947A>T), located in coding exon 11 of the MUTYH gene, results from an A to T substitution at nucleotide position 947. The glutamine at codon 316 is replaced by leucine, an amino acid with dissimilar properties. This amino acid position is conserved. In addition, this alteration is predicted to be tolerated by in silico analysis. Based on the available evidence, the clinical significance of this variant remains unclear.